The following is an entry in ClinVar:

NM_006158.5(NEFL):c.507G>C (p.Glu169Asp)

Gene: NEFL (neurofilament light chain; minus strand). Cytogenetic location: 8p21.2.
Variant type: single nucleotide variant.
Coding change: c.507G>C on transcript NM_006158.5 (MANE Select); coding-DNA position 507, G replaced by C.
Protein change: p.Glu169Asp; replaces glutamic acid 169 with aspartic acid.
Molecular consequence: missense variant.
Genome position (GRCh38, 1-based): chr8:24,956,009, C>G on the plus strand (G>C on the coding strand, the complement: NEFL is on the minus strand). VCF-style: chr8-24956009-C-G. GRCh37 (hg19) VCF-style: chr8-24813523-C-G.
Other names: c.507G>C (NM_006158.3); short protein forms E169D.
Identifiers: ClinVar variation 1806907 (VCV001806907.5), dbSNP rs750417735, ClinGen allele CA4681489.

ClinVar aggregate classification (germline): Uncertain significance. Review status: criteria provided, multiple submitters, no conflicts (2 of 4 stars). 3 submissions from 3 submitters: Uncertain significance (3). Last evaluated 2025-04-07.

Conditions:
Inborn genetic diseases. Identifiers: MedGen C0950123, MeSH D030342.
Charcot-Marie-Tooth disease type 2E (CMT2E). Also called: CHARCOT-MARIE-TOOTH NEUROPATHY, TYPE 2E; CHARCOT-MARIE-TOOTH DISEASE, AXONAL, TYPE 2E. Identifiers: Orphanet 99939, MedGen C1843225, MONDO:0011894, OMIM 607684.

Allele frequency attached by ClinVar (database versions not stated): gnomAD exomes 0.00001; ExAC 0.00002.
gnomAD v4.1: 6 of 1,604,592 alleles (0.00037%); highest among the groups gnomAD compares: Admixed American, 0.0083%; no homozygotes.

Submissions (3):

Ambry Genetics
Classification: Uncertain significance for Inborn genetic diseases. Last evaluated: 2025-04-07. Review status: criteria provided, single submitter. Criteria: Ambry Variant Classification Scheme 2023. Collection method: clinical testing. Allele origin: germline.

Labcorp Genetics (formerly Invitae), Labcorp
Classification: Uncertain significance for Charcot-Marie-Tooth disease type 2E. Last evaluated: 2023-09-23. Review status: criteria provided, single submitter. Criteria: Invitae Variant Classification Sherloc (09022015). Collection method: clinical testing. Allele origin: germline.
Comment: In summary, the available evidence is currently insufficient to determine the role of this variant in disease. Therefore, it has been classified as a Variant of Uncertain Significance. Advanced modeling of protein sequence and biophysical properties (such as structural, functional, and spatial information, amino acid conservation, physicochemical variation, residue mobility, and thermodynamic stability) performed at Invitae indicates that this missense variant is not expected to disrupt NEFL protein function. ClinVar contains an entry for this variant (Variation ID: 1806907). This variant has not been reported in the literature in individuals affected with NEFL-related conditions. This variant is present in population databases (rs750417735, gnomAD 0.01%). This sequence change replaces glutamic acid, which is acidic and polar, with aspartic acid, which is acidic and polar, at codon 169 of the NEFL protein (p.Glu169Asp).

Athena Diagnostics
Classification: Uncertain significance. Last evaluated: 2022-03-04. Review status: criteria provided, single submitter. Criteria: Athena Diagnostics Criteria. Collection method: clinical testing. Allele origin: unknown.